The following is an entry in ClinVar:

NM_005633.4(SOS1):c.911G>C (p.Arg304Pro)

Gene: SOS1 (SOS Ras/Rac guanine nucleotide exchange factor 1; minus strand). Cytogenetic location: 2p22.1.
Variant type: single nucleotide variant.
Coding change: c.911G>C on transcript NM_005633.4 (MANE Select); coding-DNA position 911, G replaced by C.
Protein change: p.Arg304Pro; replaces arginine 304 with proline.
Molecular consequence: missense variant.
Genome position (GRCh38, 1-based): chr2:39,035,454, C>G on the plus strand (G>C on the coding strand, the complement: SOS1 is on the minus strand). VCF-style: chr2-39035454-C-G. GRCh37 (hg19) VCF-style: chr2-39262595-C-G.
Other names: c.890G>C, p.Arg297Pro (NM_001382394.1); c.911G>C, p.Arg304Pro (NM_001382395.1); short protein forms R304P, R297P.
Identifiers: ClinVar variation 1765875 (VCV001765875.5), dbSNP rs886254041, ClinGen allele CA45683594.

ClinVar aggregate classification (germline): Uncertain significance. Review status: criteria provided, multiple submitters, no conflicts (2 of 4 stars). 2 submissions from 2 submitters: Uncertain significance (2). Last evaluated 2023-06-03.

Conditions:
Cardiovascular phenotype. Identifiers: MedGen CN230736.
RASopathy. Also called: rasopathies; Noonan spectrum disorder. Identifiers: Orphanet 536391, MedGen C5555857, MONDO:0021060.

Submissions (2):

Labcorp Genetics (formerly Invitae), Labcorp
Classification: Uncertain significance for RASopathy. Last evaluated: 2023-06-03. Review status: criteria provided, single submitter. Criteria: Invitae Variant Classification Sherloc (09022015). Collection method: clinical testing. Allele origin: germline.
Comment: ClinVar contains an entry for this variant (Variation ID: 1765875). Advanced modeling of protein sequence and biophysical properties (such as structural, functional, and spatial information, amino acid conservation, physicochemical variation, residue mobility, and thermodynamic stability) has been performed at Invitae for this missense variant, however the output from this modeling did not meet the statistical confidence thresholds required to predict the impact of this variant on SOS1 protein function. In summary, the available evidence is currently insufficient to determine the role of this variant in disease. Therefore, it has been classified as a Variant of Uncertain Significance. This variant has not been reported in the literature in individuals affected with SOS1-related conditions. This sequence change replaces arginine, which is basic and polar, with proline, which is neutral and non-polar, at codon 304 of the SOS1 protein (p.Arg304Pro). This variant is not present in population databases (gnomAD no frequency).

Ambry Genetics
Classification: Uncertain significance for Cardiovascular phenotype. Last evaluated: 2021-07-27. Review status: criteria provided, single submitter. Criteria: Ambry Variant Classification Scheme 2023. Collection method: clinical testing. Allele origin: germline.
Comment: The p.R304P variant (also known as c.911G>C), located in coding exon 7 of the SOS1 gene, results from a G to C substitution at nucleotide position 911. The arginine at codon 304 is replaced by proline, an amino acid with dissimilar properties. This amino acid position is conserved. In addition, this alteration is predicted to be deleterious by in silico analysis. Since supporting evidence is limited at this time, the clinical significance of this alteration remains unclear.